The following is an entry in ClinVar:

ClinVar aggregate classification (germline): Uncertain significance. Review status: criteria provided, multiple submitters, no conflicts (2 of 4 stars). 2 submissions from 2 submitters: Uncertain significance (2). Last evaluated 2024-03-15.

Conditions:
Hereditary cancer-predisposing syndrome. Also called: Hereditary Cancer Syndrome; Tumor predisposition; Hereditary neoplastic syndrome; Neoplastic Syndromes, Hereditary. Identifiers: Orphanet 140162, MedGen C0027672, MeSH D009386, MONDO:0015356.
Familial adenomatous polyposis 1 (FAP1). Also called: FAMILIAL ADENOMATOUS POLYPOSIS 1, ATTENUATED; POLYPOSIS, ADENOMATOUS INTESTINAL. Identifiers: MedGen C2713442, MONDO:0021056, OMIM 175100. Disease mechanism: loss of function.

Allele frequency attached by ClinVar (database versions not stated): gnomAD exomes below 0.00001; TOPMed below 0.00001.
gnomAD v4.1: 1 of 1,613,232 alleles (0.000062%); highest among the groups gnomAD compares: Non-Finnish European, 0.000085%; no homozygotes.

Submissions (2):

Ambry Genetics
Classification: Uncertain significance for Hereditary cancer-predisposing syndrome. Last evaluated: 2024-03-15. Review status: criteria provided, single submitter. Criteria: Ambry Variant Classification Scheme 2023. Collection method: clinical testing. Allele origin: germline.
Comment: The p.K523E variant (also known as c.1567A>G), located in coding exon 12 of the APC gene, results from an A to G substitution at nucleotide position 1567. The lysine at codon 523 is replaced by glutamic acid, an amino acid with similar properties. This amino acid position is highly conserved in available vertebrate species. In addition, in silico predictors for this gene do not accurately predict pathogenicity. Since supporting evidence is limited at this time, the clinical significance of this alteration remains unclear.

Labcorp Genetics (formerly Invitae), Labcorp
Classification: Uncertain significance for Familial adenomatous polyposis 1. Last evaluated: 2024-03-08. Review status: criteria provided, single submitter. Criteria: Invitae Variant Classification Sherloc (09022015). Collection method: clinical testing. Allele origin: germline.
Comment: This sequence change replaces lysine, which is basic and polar, with glutamic acid, which is acidic and polar, at codon 523 of the APC protein (p.Lys523Glu). This variant is not present in population databases (gnomAD no frequency). This variant has not been reported in the literature in individuals affected with APC-related conditions. ClinVar contains an entry for this variant (Variation ID: 1040132). Advanced modeling of protein sequence and biophysical properties (such as structural, functional, and spatial information, amino acid conservation, physicochemical variation, residue mobility, and thermodynamic stability) performed at Invitae indicates that this missense variant is not expected to disrupt APC protein function with a negative predictive value of 95%. In summary, the available evidence is currently insufficient to determine the role of this variant in disease. Therefore, it has been classified as a Variant of Uncertain Significance.

NM_000038.6(APC):c.1567A>G (p.Lys523Glu)

Gene: APC (APC regulator of Wnt signaling pathway; plus strand). Cytogenetic location: 5q22.2.
Variant type: single nucleotide variant.
Coding change: c.1567A>G on transcript NM_000038.6 (MANE Select); coding-DNA position 1567, A replaced by G.
Protein change: p.Lys523Glu; replaces lysine 523 with glutamic acid.
Molecular consequence: missense variant.
Genome position (GRCh38, 1-based): chr5:112,827,947, A>G. VCF-style: chr5-112827947-A-G. GRCh37 (hg19) VCF-style: chr5-112163644-A-G.
Other names: c.1567A>G, p.Lys523Glu (NM_001127510.3, NM_001354895.2); c.1513A>G, p.Lys505Glu (NM_001127511.3); c.1621A>G, p.Lys541Glu (NM_001354896.2); c.1597A>G, p.Lys533Glu (NM_001354897.2); c.1492A>G, p.Lys498Glu (NM_001354898.2); c.1483A>G, p.Lys495Glu (NM_001354899.2); c.1444A>G, p.Lys482Glu (NM_001354900.2); c.1390A>G, p.Lys464Glu (NM_001354901.2); and 5 more; short protein forms K397E, K422E, K464E, K523E, K482E, K533E, K432E, K505E.
Identifiers: ClinVar variation 1040132 (VCV001040132.13), dbSNP rs1763872744, ClinGen allele CA16024730.